The following is an entry in ClinVar:

ClinVar aggregate classification (germline): Uncertain significance (1 of 4 stars; one submission).

gnomAD v4.1: 1 of 1,614,072 alleles (0.000062%); highest among the groups gnomAD compares: African/African-American, 0.0013%; no homozygotes.

Submission:

Labcorp Genetics (formerly Invitae), Labcorp
Classification: Uncertain significance. Last evaluated: 2024-09-13. Review status: criteria provided, single submitter. Criteria: Invitae Variant Classification Sherloc (09022015). Collection method: clinical testing. Allele origin: germline.
Comment: This sequence change replaces valine, which is neutral and non-polar, with methionine, which is neutral and non-polar, at codon 269 of the SNIP1 protein (p.Val269Met). This variant is present in population databases (no rsID available, gnomAD 0.007%). This variant has not been reported in the literature in individuals affected with SNIP1-related conditions. Invitae Evidence Modeling of protein sequence and biophysical properties (such as structural, functional, and spatial information, amino acid conservation, physicochemical variation, residue mobility, and thermodynamic stability) indicates that this missense variant is not expected to disrupt SNIP1 protein function with a negative predictive value of 80%. In summary, the available evidence is currently insufficient to determine the role of this variant in disease. Therefore, it has been classified as a Variant of Uncertain Significance.

NM_024700.4(SNIP1):c.805G>A (p.Val269Met)

Genes: SNIP1 (Smad nuclear interacting protein 1; minus strand), LOC126805704 (BRD4-independent group 4 enhancer GRCh37_chr1:38005292-38006491; plus strand). Cytogenetic location: 1p34.3.
Variant type: single nucleotide variant.
Coding change: c.805G>A on transcript NM_024700.4 (MANE Select); coding-DNA position 805, G replaced by A.
Protein change: p.Val269Met; replaces valine 269 with methionine.
Molecular consequence: missense variant.
Genome position (GRCh38, 1-based): chr1:37,540,278, C>T on the plus strand (G>A on the coding strand, the complement: SNIP1 is on the minus strand). VCF-style: chr1-37540278-C-T. GRCh37 (hg19) VCF-style: chr1-38005879-C-T.
Other names: short protein forms V269M.
Identifiers: ClinVar variation 3699496 (VCV003699496.2).
Genomic context (GRCh38, chr1:37,540,278, plus strand): 5'-TGCGGCGGTGTCGACCCAGTAGGTACGCACTCTGTCGATGTATGTACATGACTGGAAGCA[C>T]CTCATCATTTTTAAATGGGTAGAGACGCCACCGTTTTTTGGGGATACGTGCTTCTGGGGG-3'
Protein context (NP_078976.2, residues 259-279): WRLYPFKNDE[Val269Met]LPVMYIHRQS